The following is an entry in ClinVar:

ClinVar aggregate classification (germline): Uncertain significance (1 of 4 stars; one submission).

gnomAD v4.1: 1 of 1,614,178 alleles (0.000062%); highest among the groups gnomAD compares: Non-Finnish European, 0.000085%; no homozygotes.

Submission:

GeneDx
Classification: Uncertain significance. Last evaluated: 2026-04-07. Review status: criteria provided, single submitter. Criteria: GeneDx Variant Classification Process June 2021. Collection method: clinical testing. Allele origin: germline.
Comment: Not observed at significant frequency in large population cohorts (gnomAD); In silico analysis supports that this missense variant has a deleterious effect on protein structure/function; Has not been previously published as pathogenic or benign to our knowledge

NM_001007553.3(CSDE1):c.991G>C (p.Ala331Pro)

Gene: CSDE1 (cold shock domain containing E1; minus strand). Cytogenetic location: 1p13.2.
Variant type: single nucleotide variant.
Coding change: c.991G>C on transcript NM_001007553.3 (MANE Select); coding-DNA position 991, G replaced by C.
Protein change: p.Ala331Pro; replaces alanine 331 with proline.
Molecular consequence: missense variant.
Genome position (GRCh38, 1-based): chr1:114,732,663, C>G on the plus strand (G>C on the coding strand, the complement: CSDE1 is on the minus strand). VCF-style: chr1-114732663-C-G. GRCh37 (hg19) VCF-style: chr1-115275284-C-G.
Other names: c.1036G>C, p.Ala346Pro (NM_001130523.3); c.1129G>C, p.Ala377Pro (NM_001242891.2); c.991G>C, p.Ala331Pro (NM_001242892.2); c.898G>C, p.Ala300Pro (NM_001242893.2, NM_007158.6); short protein forms A300P, A331P, A346P, A377P.
Identifiers: ClinVar variation 5018221 (VCV005018221.1).